The following is an entry in ClinVar:

NC_000017.10:g.(?_29527428)_(29534143_?)del

Gene: NF1 (neurofibromin 1; plus strand). Cytogenetic location: 17q11.2.
Variant type: Deletion.
Identifiers: ClinVar variation 3242885 (VCV003242885.1).

ClinVar aggregate classification (germline): Pathogenic (1 of 4 stars; one submission).

Conditions:
Neurofibromatosis, type 1 (NF1). Also called: VON RECKLINGHAUSEN DISEASE; Neurofibromatosis, type I; Peripheral type neurofibromatosis; NEUROFIBROMATOSIS, TYPE I, SOMATIC. Identifiers: Orphanet 636, MedGen C0027831, MONDO:0018975, OMIM 162200. Disease mechanism: loss of function.

Submission:

Labcorp Genetics (formerly Invitae), Labcorp
Classification: Pathogenic for Neurofibromatosis, type 1. Last evaluated: 2023-02-16. Review status: criteria provided, single submitter. Criteria: Invitae Variant Classification Sherloc (09022015). Collection method: clinical testing. Allele origin: unknown.
Comment: This variant is a gross deletion of the genomic region encompassing exon(s) 9-12 of the NF1 gene. This variant would be expected to be in-frame, preserving the integrity of the reading frame. A similar copy number variant has been observed in individuals with neurofibromatosis type 1 (Invitae). This variant disrupts the p.Leu380 amino acid residue in NF1. Other variant(s) that disrupt this residue have been determined to be pathogenic (PMID: 27999334; Invitae). This suggests that this residue is clinically significant, and that variants that disrupt this residue are likely to be disease-causing. For these reasons, this variant has been classified as Pathogenic.

Literature cited by the submitters: PubMed 27999334.